The following is an entry in ClinVar:

NM_004006.3(DMD):c.3787-651C>T

Gene: DMD (dystrophin; minus strand). Cytogenetic location: Xp21.1.
Variant type: single nucleotide variant.
Coding change: c.3787-651C>T on transcript NM_004006.3 (MANE Select); 651 bases into the intron before coding-DNA position 3787, C replaced by T.
Molecular consequence: intron variant.
Genome position (GRCh38, 1-based): chrX:32,441,965, G>A on the plus strand (C>T on the coding strand, the complement: DMD is on the minus strand). VCF-style: chrX-32441965-G-A. GRCh37 (hg19) VCF-style: chrX-32460082-G-A.
Other names: c.3763-651C>T (NM_000109.4); c.3775-651C>T (NM_004009.3); c.3418-651C>T (NM_004010.3).
Identifiers: ClinVar variation 678474 (VCV000678474.1), dbSNP rs67702482, ClinGen allele CA328027807.
Genomic context (GRCh38, chrX:32,441,965, plus strand): 5'-CATCATCGTGAATATGGACTATTTTTCCACATTCTTATTATTTCCTTGAGGTATATTATC[G>A]GAAATATTACCACTAATTCAAAGGTTTGATTATTTTAAATGGCCATTAATTTGTATTATG-3'

ClinVar aggregate classification (germline): Benign (1 of 4 stars; one submission).

Allele frequency attached by ClinVar (database versions not stated): gnomAD 0.35785 and 0.36767; TOPMed 0.35839; 1000 Genomes Project 30x 0.42872; 1000 Genomes Project 0.43629.
gnomAD v4.1: 39,924 of 109,056 alleles (37%); highest among the groups gnomAD compares: East Asian, 74%; 5,513 homozygotes.

Submission:

GeneDx
Classification: Benign. Last evaluated: 2018-06-16. Review status: criteria provided, single submitter. Criteria: GeneDx Variant Classification (06012015). Collection method: clinical testing. Allele origin: germline. Affected: yes.
Comment: This variant is considered likely benign or benign based on one or more of the following criteria: it is a conservative change, it occurs at a poorly conserved position in the protein, it is predicted to be benign by multiple in silico algorithms, and/or has population frequency not consistent with disease.